The following is an entry in ClinVar:

NM_001292063.2(OTOG):c.4349A>G (p.Glu1450Gly)

Gene: OTOG (otogelin; plus strand). Cytogenetic location: 11p15.1.
Variant type: single nucleotide variant.
Coding change: c.4349A>G on transcript NM_001292063.2 (MANE Select); coding-DNA position 4349, A replaced by G.
Protein change: p.Glu1450Gly; replaces glutamic acid 1450 with glycine.
Molecular consequence: missense variant.
Genome position (GRCh38, 1-based): chr11:17,609,204, A>G. VCF-style: chr11-17609204-A-G. GRCh37 (hg19) VCF-style: chr11-17630751-A-G.
Other names: c.4385A>G, p.Glu1462Gly (NM_001277269.2); short protein forms E1462G, E1450G.
Identifiers: ClinVar variation 4986509 (VCV004986509.1).
Genomic context (GRCh38, chr11:17,609,204, plus strand): 5'-TCCCTGTGTGCCCCACCCCCCAGGTCCTGGATGAAGTCACACAGAGATGTGTCTACTTGG[A>G]GGACTGTAAGTGGCCCAGACTTCTCATCCTTCCCTCAGATTTCCTCTAAGTCCCTAGGGT-3'
Protein context (NP_001278992.1, residues 1440-1460): DEVTQRCVYL[Glu1450Gly]DCVEPAVWVP

ClinVar aggregate classification (germline): Uncertain significance (1 of 4 stars; one submission).

Conditions:
OTOG-related disorder. Also called: OTOG-related condition.

gnomAD v4.1: 6 of 1,550,200 alleles (0.00039%); highest among the groups gnomAD compares: African/African-American, 0.0014%; no homozygotes.

Submission:

PreventionGenetics, part of Exact Sciences
Classification: Uncertain significance for OTOG-related condition. Last evaluated: 2024-12-16. Review status: criteria provided, single submitter. Criteria: ACMG Guidelines, 2015. Collection method: clinical testing. Allele origin: germline.
Comment: The OTOG c.4385A>G variant is predicted to result in the amino acid substitution p.Glu1462Gly. To our knowledge, this variant has not been reported in the literature. This variant is reported in 0.012% of alleles in individuals of African descent in gnomAD. At this time, the clinical significance of this variant is uncertain due to the absence of conclusive functional and genetic evidence.